The following is an entry in ClinVar:

NM_001256447.2(BCAP31):c.-44-256G>T

Gene: BCAP31 (B cell receptor associated protein 31; minus strand). Cytogenetic location: Xq28.
Variant type: single nucleotide variant.
Coding change: c.-44-256G>T on transcript NM_001256447.2 (MANE Select); 256 bases into the intron before 44 bases upstream of the start codon, G replaced by T.
Molecular consequence: intron variant. On other transcripts: missense variant (1).
Genome position (GRCh38, 1-based): chrX:153,723,544, C>A on the plus strand (G>T on the coding strand, the complement: BCAP31 is on the minus strand). VCF-style: chrX-153723544-C-A. GRCh37 (hg19) VCF-style: chrX-152988999-C-A.
Other names: c.121G>T, p.Ala41Ser (NM_001139457.2); c.-44-256G>T (NM_005745.8, NM_001139441.1); short protein forms A41S.
Identifiers: ClinVar variation 2635594 (VCV002635594.1), dbSNP rs2091683700, ClinGen allele CA415096624.

ClinVar aggregate classification (germline): Uncertain significance (1 of 4 stars; one submission).

Conditions:
BCAP31-related disorder. Also called: BCAP31-related condition.

Allele frequency attached by ClinVar (database versions not stated): TOPMed below 0.00001.

Submission:

PreventionGenetics, part of Exact Sciences
Classification: Uncertain significance for BCAP31-related condition. Last evaluated: 2023-01-10. Review status: criteria provided, single submitter. Criteria: ACMG Guidelines, 2015. Collection method: clinical testing. Allele origin: germline.
Comment: The BCAP31 c.121G>T variant is predicted to result in the amino acid substitution p.Ala41Ser. To our knowledge, this variant has not been reported in the literature or in a large population database, indicating this variant is rare. At this time, the clinical significance of this variant is uncertain due to the absence of conclusive functional and genetic evidence.